The following is an entry in ClinVar:

NM_000138.5(FBN1):c.8000A>C (p.Glu2667Ala)

Gene: FBN1 (fibrillin 1; minus strand). Cytogenetic location: 15q21.1.
Variant type: single nucleotide variant.
Coding change: c.8000A>C on transcript NM_000138.5 (MANE Select); coding-DNA position 8000, A replaced by C.
Protein change: p.Glu2667Ala; replaces glutamic acid 2667 with alanine.
Molecular consequence: missense variant.
Genome position (GRCh38, 1-based): chr15:48,415,587, T>G on the plus strand (A>C on the coding strand, the complement: FBN1 is on the minus strand). VCF-style: chr15-48415587-T-G. GRCh37 (hg19) VCF-style: chr15-48707784-T-G.
Other names: c.8000A>C, p.Glu2667Ala (NM_001406716.1); short protein forms E2667A.
Identifiers: ClinVar variation 3894170 (VCV003894170.1).

ClinVar aggregate classification (germline): Uncertain significance (1 of 4 stars; one submission).

Conditions:
Familial thoracic aortic aneurysm and aortic dissection (TAAD). Also called: Thoracic aortic aneurysms and dissections. Identifiers: Orphanet 91387, MedGen C4707243, MONDO:0019625.

Submission:

Color Diagnostics, LLC DBA Color Health
Classification: Uncertain significance for Familial thoracic aortic aneurysm and aortic dissection. Last evaluated: 2025-02-10. Review status: criteria provided, single submitter. Criteria: ACMG Guidelines, 2015. Collection method: clinical testing. Allele origin: germline.
Comment: This missense variant replaces glutamic acid with alanine at codon 2667 of the FBN1 protein. Computational prediction suggests that this variant may not impact protein structure and function. To our knowledge, functional studies have not been reported for this variant. This variant has not been reported in individuals affected with FBN1-related disorders in the literature. This variant has not been identified in the general population by the Genome Aggregation Database (gnomAD). The available evidence is insufficient to determine the role of this variant in disease conclusively. Therefore, this variant is classified as a Variant of Uncertain Significance.